The following is an entry in ClinVar:

ClinVar aggregate classification (germline): Likely benign. Review status: criteria provided, multiple submitters, no conflicts (2 of 4 stars). 2 submissions from 2 submitters: Likely benign (2). Last evaluated 2024-05-23.

Conditions:
Autosomal dominant nonsyndromic hearing loss 20. Identifiers: Orphanet 90635, MedGen C1858172, MONDO:0011480, OMIM 604717.
Baraitser-winter syndrome 2. Identifiers: Orphanet 2995, MedGen C3281235, MONDO:0013812, OMIM 614583.

Allele frequency attached by ClinVar (database versions not stated): gnomAD exomes 0.00001 and 0.00004; gnomAD 0.00003; TOPMed 0.00005; ExAC 0.00007; ESP Exome Variant Server 0.00015.
gnomAD v4.1: 20 of 1,613,910 alleles (0.0012%); highest among the groups gnomAD compares: Admixed American, 0.0083%; no homozygotes.

Submissions (2):

Labcorp Genetics (formerly Invitae), Labcorp
Classification: Likely benign for Baraitser-winter syndrome 2; Autosomal dominant nonsyndromic hearing loss 20. Last evaluated: 2024-05-23. Review status: criteria provided, single submitter. Criteria: Invitae Variant Classification Sherloc (09022015). Collection method: clinical testing. Allele origin: germline.

GeneDx
Classification: Likely benign. Last evaluated: 2016-03-17. Review status: criteria provided, single submitter. Criteria: GeneDx Variant Classification (06012015). Collection method: clinical testing. Allele origin: germline. Affected: yes.
Comment: This variant is considered likely benign or benign based on one or more of the following criteria: it is a conservative change, it occurs at a poorly conserved position in the protein, it is predicted to be benign by multiple in silico algorithms, and/or has population frequency not consistent with disease.

NM_001614.5(ACTG1):c.1053C>T (p.Thr351=)

Gene: ACTG1 (actin gamma 1; minus strand). Cytogenetic location: 17q25.3.
Variant type: single nucleotide variant.
Coding change: c.1053C>T on transcript NM_001614.5 (MANE Select); coding-DNA position 1053, C replaced by T.
Protein change: p.Thr351=; no amino-acid change (threonine 351 retained).
Molecular consequence: synonymous variant. On other transcripts: non-coding transcript variant (1).
Genome position (GRCh38, 1-based): chr17:81,510,765, G>A on the plus strand (C>T on the coding strand, the complement: ACTG1 is on the minus strand). VCF-style: chr17-81510765-G-A. GRCh37 (hg19) VCF-style: chr17-79477791-G-A.
Other names: c.1053C>T, p.Thr351= (NM_001199954.3).
Identifiers: ClinVar variation 384765 (VCV000384765.5), dbSNP rs148267855, ClinGen allele CA8835831.